The following is an entry in ClinVar:

NM_018136.5(ASPM):c.9407del (p.Asn3136fs)

Gene: ASPM (assembly factor for spindle microtubules; minus strand). Cytogenetic location: 1q31.3.
Variant type: Deletion.
Coding change: c.9407del on transcript NM_018136.5 (MANE Select); coding-DNA position 9407, one base deleted (A; older notation c.9407delA).
Protein change: p.Asn3136fs; shifts the reading frame from asparagine 3136.
Molecular consequence: frameshift variant.
Genome position (GRCh38, 1-based): chr1:197,091,944, T deleted on the plus strand (A on the coding strand, the reverse complement: ASPM is on the minus strand); the first of 2 consecutive T bases (chr1:197,091,944-197,091,945); deleting either gives the same sequence. VCF-style (leftmost placement, unchanged base first): chr1-197091943-AT-A. GRCh37 (hg19) VCF-style: chr1-197061073-AT-A.
Other names: c.4652del, p.Asn1551fs (NM_001206846.2); short protein forms N1551fs, N3136fs.
Identifiers: ClinVar variation 3369141 (VCV003369141.3).
Genomic context (GRCh38, chr1:197,091,943, plus strand): 5'-TTTTACTGCAAAGAAGAAGCAAACCTGAATACAGATGACTGAATTAACCTGCTTGTTAGC[AT>A]TCTTCACAGCCAGGTAAAGTTTATAGGCTCTTTGAATTCTAACAGCATTCAGGTGATAAT-3'

ClinVar aggregate classification (germline): Likely pathogenic. Review status: criteria provided, multiple submitters, no conflicts (2 of 4 stars). 2 submissions from 2 submitters: Likely pathogenic (2). Last evaluated 2024-02-12.

Submissions (2):

GeneDx
Classification: Likely pathogenic. Last evaluated: 2024-02-12. Review status: criteria provided, single submitter. Criteria: GeneDx Variant Classification Process June 2021. Collection method: clinical testing. Allele origin: germline. Affected: yes.
Comment: Frameshift variant predicted to result in protein truncation or nonsense mediated decay in a gene for which loss of function is a known mechanism of disease; Not observed at significant frequency in large population cohorts (gnomAD); Has not been previously published as pathogenic or benign to our knowledge

Genetic Services Laboratory, University of Chicago
Classification: Likely pathogenic. Last evaluated: 2023-12-05. Review status: criteria provided, single submitter. Criteria: ACMG Guidelines, 2015. Collection method: clinical testing. Allele origin: germline. Affected: yes.
Comment: DNA sequence analysis of the ASPM gene demonstrated a single base pair deletion in exon 22, c.9407del. This sequence change results in an amino acid frameshift and creates a premature stop codon 42 amino acids downstream of the change, p.Asn3136Metfs*43. This sequence change is predicted to result in an abnormal transcript, which may be degraded, or may lead to the production of a truncated ASPM protein with potentially abnormal function. The c.9407del sequence change has not been described in population databases such as ExAC and gnomAD. While this deletion has not previously been described in the literature, other truncating sequence changes in the ASPM gene have been described in several individuals with ASPM-related microcephaly (PMID: 19028728, 23611254). These collective evidences indicate that this sequence change likely pathogenic, however functional studies have not been performed to prove this conclusively.